The following is an entry in ClinVar:

NM_032387.5(WNK4):c.3610C>T (p.Arg1204Cys)

Gene: WNK4 (WNK lysine deficient protein kinase 4; plus strand). Cytogenetic location: 17q21.2.
Variant type: single nucleotide variant.
Coding change: c.3610C>T on transcript NM_032387.5 (MANE Select); coding-DNA position 3610, C replaced by T.
Protein change: p.Arg1204Cys; replaces arginine 1204 with cysteine.
Molecular consequence: missense variant.
Genome position (GRCh38, 1-based): chr17:42,796,301, C>T. VCF-style: chr17-42796301-C-T. GRCh37 (hg19) VCF-style: chr17-40948319-C-T.
Other names: p.Arg1204Cys; c.2602C>T, p.Arg868Cys (NM_001321299.2); short protein forms R1204C, R868C.
Identifiers: ClinVar variation 323355 (VCV000323355.38), dbSNP rs56116165, ClinGen allele CA8584644.

ClinVar aggregate classification (germline): Benign/Likely benign. Review status: criteria provided, multiple submitters, no conflicts (2 of 4 stars). 5 submissions from 5 submitters: Benign (3); Likely benign (2). Last evaluated 2026-01-12.

Conditions:
Pseudohypoaldosteronism type 2B (PHA2B). Also called: Pseudohypoaldosteronism Type IIB. Identifiers: Orphanet 757, Orphanet 88939, MedGen C1840390, MONDO:0013777, OMIM 614491.

Allele frequency attached by ClinVar (database versions not stated): ESP Exome Variant Server 0.00209; TOPMed 0.00261; 1000 Genomes Project 30x 0.00312; 1000 Genomes Project 0.00359; ExAC 0.00636; gnomAD 0.00695.

Submissions (5):

Labcorp Genetics (formerly Invitae), Labcorp
Classification: Benign. Last evaluated: 2026-01-12. Review status: criteria provided, single submitter. Criteria: Invitae Variant Classification Sherloc (09022015). Collection method: clinical testing. Allele origin: germline.

Genomic Medicine Center of Excellence, King Faisal Specialist Hospital and Research Centre
Classification: Likely benign. Last evaluated: 2025-08-18. Review status: criteria provided, single submitter. Criteria: ACMG Guidelines, 2015. Collection method: clinical testing. Allele origin: germline.

Mayo Clinic Laboratories, Mayo Clinic
Classification: Benign. Last evaluated: 2024-11-25. Review status: criteria provided, single submitter. Criteria: ACMG Guidelines, 2015. Collection method: clinical testing. Allele origin: germline. Observed: 2 variant alleles.
Comment: BS1, BS2

CeGaT Center for Human Genetics Tuebingen
Classification: Likely benign. Last evaluated: 2023-03-01. Review status: criteria provided, single submitter. Criteria: CeGaT Center For Human Genetics Tuebingen Variant Classification Criteria Version 2. Collection method: clinical testing. Allele origin: germline. Affected: yes. Observed: 1 variant allele.
Comment: WNK4: BS2

Illumina Laboratory Services, Illumina
Classification: Benign for Pseudohypoaldosteronism type 2B. Last evaluated: 2018-03-06. Review status: criteria provided, single submitter. Criteria: ICSL Variant Classification Criteria 13 December 2019. Collection method: clinical testing. Allele origin: germline.
Comment: This variant was observed in the ICSL laboratory as part of a predisposition screen in an ostensibly healthy population. It had not been previously curated by ICSL or reported in the Human Gene Mutation Database (HGMD: prior to June 1st, 2018), and was therefore a candidate for classification through an automated scoring system. Utilizing variant allele frequency, disease prevalence and penetrance estimates, and inheritance mode, an automated score was calculated to assess if this variant is too frequent to cause the disease. Based on the score and internal cut-off values, a variant classified as benign is not then subjected to further curation. The score for this variant resulted in a classification of benign for this disease.

Literature cited by the submitters: PubMed 21236712 (cited by Mayo Clinic Laboratories, Mayo Clinic).